The following is an entry in ClinVar:

NM_001792.5(CDH2):c.1193T>C (p.Ile398Thr)

Gene: CDH2 (cadherin 2; minus strand). Cytogenetic location: 18q12.1.
Variant type: single nucleotide variant.
Coding change: c.1193T>C on transcript NM_001792.5 (MANE Select); coding-DNA position 1193, T replaced by C.
Protein change: p.Ile398Thr; replaces isoleucine 398 with threonine.
Molecular consequence: missense variant.
Genome position (GRCh38, 1-based): chr18:27,992,806, A>G on the plus strand (T>C on the coding strand, the complement: CDH2 is on the minus strand). VCF-style: chr18-27992806-A-G. GRCh37 (hg19) VCF-style: chr18-25572770-A-G.
Other names: c.1100T>C, p.Ile367Thr (NM_001308176.2); short protein forms I398T, I367T.
Identifiers: ClinVar variation 2707630 (VCV002707630.3), dbSNP rs1479938758, ClinGen allele CA402110587.

ClinVar aggregate classification (germline): Uncertain significance (1 of 4 stars; one submission).

Submission:

Labcorp Genetics (formerly Invitae), Labcorp
Classification: Uncertain significance. Last evaluated: 2024-01-11. Review status: criteria provided, single submitter. Criteria: Invitae Variant Classification Sherloc (09022015). Collection method: clinical testing. Allele origin: germline.
Comment: This sequence change replaces isoleucine, which is neutral and non-polar, with threonine, which is neutral and polar, at codon 398 of the CDH2 protein (p.Ile398Thr). This variant is not present in population databases (gnomAD no frequency). This variant has not been reported in the literature in individuals affected with CDH2-related conditions. An algorithm developed to predict the effect of missense changes on protein structure and function (PolyPhen-2) suggests that this variant is likely to be tolerated. In summary, the available evidence is currently insufficient to determine the role of this variant in disease. Therefore, it has been classified as a Variant of Uncertain Significance.